The following is an entry in ClinVar:

ClinVar aggregate classification (germline): Conflicting classifications of pathogenicity. Review status: criteria provided, conflicting classifications (1 of 4 stars). 2 submissions from 2 submitters: Uncertain significance (1); Likely benign (1). Last evaluated 2023-03-23.

Conditions:
Hereditary cancer-predisposing syndrome. Also called: Tumor predisposition; Hereditary neoplastic syndrome; Neoplastic Syndromes, Hereditary; Hereditary Cancer Syndrome. Identifiers: Orphanet 140162, MedGen C0027672, MeSH D009386, MONDO:0015356.
Hereditary breast ovarian cancer syndrome. Also called: Breast and ovarian cancer; BRCA1- and BRCA2-Associated Hereditary Breast and Ovarian Cancer; Hereditary breast and ovarian cancer; Hereditary breast and ovarian cancer syndrome (HBOC); Hereditary breast and/or ovarian cancer syndrome; Hereditary breast and ovarian cancer syndrome. Identifiers: Orphanet 145, MedGen C0677776, MeSH D061325, MONDO:0003582. Disease mechanism: loss of function.

Submissions (2):

University of Washington Department of Laboratory Medicine, University of Washington
Classification: Likely benign for Hereditary cancer-predisposing syndrome. Last evaluated: 2023-03-23. Review status: criteria provided, single submitter. Criteria: Dines et al. (Genet Med. 2020). Collection method: curation. Allele origin: germline.
Comment: Missense variant in a coldspot region where missense variants are very unlikely to be pathogenic (PMID:31911673).

BRCA2 exon 11 coldspot. Reclassification based on statistical prior probability.

Labcorp Genetics (formerly Invitae), Labcorp
Classification: Uncertain significance for Hereditary breast ovarian cancer syndrome. Last evaluated: 2021-12-18. Review status: criteria provided, single submitter. Criteria: Invitae Variant Classification Sherloc (09022015). Collection method: clinical testing. Allele origin: germline.
Comment: In summary, the available evidence is currently insufficient to determine the role of this variant in disease. Therefore, it has been classified as a Variant of Uncertain Significance. Advanced modeling of protein sequence and biophysical properties (such as structural, functional, and spatial information, amino acid conservation, physicochemical variation, residue mobility, and thermodynamic stability) performed at Invitae indicates that this missense variant is not expected to disrupt BRCA2 protein function. ClinVar contains an entry for this variant (Variation ID: 856808). This variant has not been reported in the literature in individuals affected with BRCA2-related conditions. This variant is not present in population databases (gnomAD no frequency). This sequence change replaces asparagine, which is neutral and polar, with serine, which is neutral and polar, at codon 1727 of the BRCA2 protein (p.Asn1727Ser).

NM_000059.4(BRCA2):c.5180A>G (p.Asn1727Ser)

Gene: BRCA2 (BRCA2 DNA repair associated; plus strand). Cytogenetic location: 13q13.1.
Variant type: single nucleotide variant.
Coding change: c.5180A>G on transcript NM_000059.4 (MANE Select); coding-DNA position 5180, A replaced by G.
Protein change: p.Asn1727Ser; replaces asparagine 1727 with serine.
Molecular consequence: missense variant.
Genome position (GRCh38, 1-based): chr13:32,339,535, A>G. VCF-style: chr13-32339535-A-G. GRCh37 (hg19) VCF-style: chr13-32913672-A-G.
Other names: short protein forms N1727S.
Identifiers: ClinVar variation 856808 (VCV000856808.9), dbSNP rs2072522543, ClinGen allele CA387784552.